The following is an entry in ClinVar:

ClinVar aggregate classification (germline): Uncertain significance (1 of 4 stars; one submission).

Submission:

Ambry Genetics
Classification: Uncertain significance. Last evaluated: 2025-01-16. Review status: criteria provided, single submitter. Criteria: Ambry Variant Classification Scheme 2023. Collection method: clinical testing. Allele origin: germline.
Comment: The p.M220T variant (also known as c.659T>C), located in coding exon 3 of the MYLK2 gene, results from a T to C substitution at nucleotide position 659. The methionine at codon 220 is replaced by threonine, an amino acid with similar properties. This amino acid position is conserved. In addition, this alteration is predicted to be tolerated by in silico analysis. Based on the available evidence, the clinical significance of this variant remains unclear.

NM_033118.4(MYLK2):c.659T>C (p.Met220Thr)

Gene: MYLK2 (myosin light chain kinase 2; plus strand). Cytogenetic location: 20q11.21.
Variant type: single nucleotide variant.
Coding change: c.659T>C on transcript NM_033118.4 (MANE Select); coding-DNA position 659, T replaced by C.
Protein change: p.Met220Thr; replaces methionine 220 with threonine.
Molecular consequence: missense variant.
Genome position (GRCh38, 1-based): chr20:31,821,624, T>C. VCF-style: chr20-31821624-T-C. GRCh37 (hg19) VCF-style: chr20-30409427-T-C.
Other names: short protein forms M220T.
Identifiers: ClinVar variation 3876607 (VCV003876607.1).